The following is an entry in ClinVar:

NM_002528.7(NTHL1):c.372G>A (p.Val124=)

Gene: NTHL1 (nth like DNA glycosylase 1; minus strand). Cytogenetic location: 16p13.3.
Variant type: single nucleotide variant.
Coding change: c.372G>A on transcript NM_002528.7 (MANE Select); coding-DNA position 372, G replaced by A.
Protein change: p.Val124=; no amino-acid change (valine 124 retained).
Molecular consequence: synonymous variant. On other transcripts: intron variant (1).
Genome position (GRCh38, 1-based): chr16:2,044,783, C>T on the plus strand (G>A on the coding strand, the complement: NTHL1 is on the minus strand). VCF-style: chr16-2044783-C-T. GRCh37 (hg19) VCF-style: chr16-2094784-C-T.
Other names: c.42G>A, p.Val14= (NM_001318194.2); c.355-1057G>A (NM_001318193.2).
Identifiers: ClinVar variation 1644025 (VCV001644025.10), dbSNP rs748183280, ClinGen allele CA7828274.

ClinVar aggregate classification (germline): Conflicting classifications of pathogenicity. Review status: criteria provided, conflicting classifications (1 of 4 stars). 2 submissions from 2 submitters: Uncertain significance (1); Likely benign (1). Last evaluated 2022-10-12.

Conditions:
Hereditary cancer-predisposing syndrome. Also called: Tumor predisposition; Neoplastic Syndromes, Hereditary; Hereditary Cancer Syndrome; Hereditary neoplastic syndrome. Identifiers: Orphanet 140162, MedGen C0027672, MeSH D009386, MONDO:0015356.

Allele frequency attached by ClinVar (database versions not stated): gnomAD exomes below 0.00001; TOPMed below 0.00001; ExAC 0.00001.
gnomAD v4.1: 3 of 1,609,012 alleles (0.00019%); highest among the groups gnomAD compares: South Asian, 0.0011%; no homozygotes.

Submissions (2):

Ambry Genetics
Classification: Uncertain significance for Hereditary cancer-predisposing syndrome. Last evaluated: 2022-10-12. Review status: criteria provided, single submitter. Criteria: Ambry Variant Classification Scheme 2023. Collection method: clinical testing. Allele origin: germline.
Comment: The c.396G>A variant (also known as p.V132V), located in coding exon 3 of the NTHL1 gene, results from a G to A substitution at nucleotide position 396. This nucleotide substitution does not change the valine at codon 132; however, it may have some effect on normal mRNA splicing. This nucleotide position is not well conserved in available vertebrate species. In addition, in silico splice site analysis for this alteration is inconclusive. Since supporting evidence is limited at this time, the clinical significance of this alteration remains unclear.

Labcorp Genetics (formerly Invitae), Labcorp
Classification: Likely benign. Last evaluated: 2021-03-29. Review status: criteria provided, single submitter. Criteria: Invitae Variant Classification Sherloc (09022015). Collection method: clinical testing. Allele origin: germline.